The following is an entry in ClinVar:

NM_001378969.1(KCND3):c.1223G>A (p.Arg408Gln)

Gene: KCND3 (potassium voltage-gated channel subfamily D member 3; minus strand). Cytogenetic location: 1p13.2.
Variant type: single nucleotide variant.
Coding change: c.1223G>A on transcript NM_001378969.1 (MANE Select); coding-DNA position 1223, G replaced by A.
Protein change: p.Arg408Gln; replaces arginine 408 with glutamine.
Molecular consequence: missense variant.
Genome position (GRCh38, 1-based): chr1:111,786,990, C>T on the plus strand (G>A on the coding strand, the complement: KCND3 is on the minus strand). VCF-style: chr1-111786990-C-T. GRCh37 (hg19) VCF-style: chr1-112329612-C-T.
Other names: c.1223G>A, p.Arg408Gln (NM_001378970.1, NM_004980.5, NM_172198.3); short protein forms R408Q.
Identifiers: ClinVar variation 1753667 (VCV001753667.5), dbSNP rs1664630804, ClinGen allele CA341660573.

ClinVar aggregate classification (germline): Uncertain significance. Review status: criteria provided, multiple submitters, no conflicts (2 of 4 stars). 3 submissions from 3 submitters: Uncertain significance (3). Last evaluated 2026-06-01.

Conditions:
Cardiovascular phenotype. Identifiers: MedGen CN230736.

Allele frequency attached by ClinVar (database versions not stated): gnomAD exomes below 0.00001; TOPMed 0.00001.

Submissions (3):

CeGaT Center for Human Genetics Tuebingen
Classification: Uncertain significance. Last evaluated: 2026-06-01. Review status: criteria provided, single submitter. Criteria: CeGaT Center For Human Genetics Tuebingen Variant Classification Criteria Version 2. Collection method: clinical testing. Allele origin: germline. Affected: yes. Observed: 1 variant allele.
Comment: KCND3: PM2, PP2, PP3

GeneDx
Classification: Uncertain significance. Last evaluated: 2023-01-06. Review status: criteria provided, single submitter. Criteria: GeneDx Variant Classification Process June 2021. Collection method: clinical testing. Allele origin: germline. Affected: yes.
Comment: Not observed at significant frequency in large population cohorts (gnomAD); In silico analysis supports that this missense variant has a deleterious effect on protein structure/function; Has not been previously published as pathogenic or benign to our knowledge

Ambry Genetics
Classification: Uncertain significance for Cardiovascular phenotype. Last evaluated: 2021-02-23. Review status: criteria provided, single submitter. Criteria: Ambry Variant Classification Scheme 2023. Collection method: clinical testing. Allele origin: germline.
Comment: The p.R408Q variant (also known as c.1223G>A), located in coding exon 2 of the KCND3 gene, results from a G to A substitution at nucleotide position 1223. The arginine at codon 408 is replaced by glutamine, an amino acid with highly similar properties. This amino acid position is highly conserved in available vertebrate species. In addition, this alteration is predicted to be deleterious by in silico analysis. Since supporting evidence is limited at this time, the clinical significance of this alteration remains unclear.